The following is an entry in ClinVar:

NM_001430.5(EPAS1):c.58C>G (p.Arg20Gly)

Gene: EPAS1 (endothelial PAS domain protein 1; plus strand). Cytogenetic location: 2p21.
Variant type: single nucleotide variant.
Coding change: c.58C>G on transcript NM_001430.5 (MANE Select); coding-DNA position 58, C replaced by G.
Protein change: p.Arg20Gly; replaces arginine 20 with glycine.
Molecular consequence: missense variant.
Genome position (GRCh38, 1-based): chr2:46,346,904, C>G. VCF-style: chr2-46346904-C-G. GRCh37 (hg19) VCF-style: chr2-46574043-C-G.
Other names: short protein forms R20G.
Identifiers: ClinVar variation 1750379 (VCV001750379.2), dbSNP rs1394833849, ClinGen allele CA346696870.

ClinVar aggregate classification (germline): Uncertain significance (1 of 4 stars; one submission).

Conditions:
Inborn genetic diseases. Identifiers: MedGen C0950123, MeSH D030342.

Allele frequency attached by ClinVar (database versions not stated): gnomAD 0.00001.
gnomAD v4.1: 1 of 1,614,054 alleles (0.000062%); highest among the groups gnomAD compares: African/African-American, 0.0013%; no homozygotes.

Submission:

Ambry Genetics
Classification: Uncertain significance for Inborn genetic diseases. Last evaluated: 2022-08-23. Review status: criteria provided, single submitter. Criteria: Ambry Variant Classification Scheme 2023. Collection method: clinical testing. Allele origin: germline.
Comment: The p.R20G variant (also known as c.58C>G), located in coding exon 2 of the EPAS1 gene, results from a C to G substitution at nucleotide position 58. The arginine at codon 20 is replaced by glycine, an amino acid with dissimilar properties. This amino acid position is conserved. In addition, the in silico prediction for this alteration is inconclusive. Since supporting evidence is limited at this time, the clinical significance of this alteration remains unclear.